The following is an entry in ClinVar:

NM_006031.6(PCNT):c.5815C>T (p.Arg1939Trp)

Gene: PCNT (pericentrin; plus strand). Cytogenetic location: 21q22.3.
Variant type: single nucleotide variant.
Coding change: c.5815C>T on transcript NM_006031.6 (MANE Select); coding-DNA position 5815, C replaced by T.
Protein change: p.Arg1939Trp; replaces arginine 1939 with tryptophan.
Molecular consequence: missense variant.
Genome position (GRCh38, 1-based): chr21:46,411,888, C>T. VCF-style: chr21-46411888-C-T. GRCh37 (hg19) VCF-style: chr21-47831802-C-T.
Other names: c.5461C>T, p.Arg1821Trp (NM_001315529.2); short protein forms R1939W, R1821W.
Identifiers: ClinVar variation 436204 (VCV000436204.31), dbSNP rs575313866, ClinGen allele CA10080096.
Genomic context (GRCh38, chr21:46,411,888, plus strand): 5'-CTGCAGTGGCTCCGAGCGCAGTGTGCCCGCCTCAGCCGCCAGCTGCAGGTGCTGCACCAG[C>T]GGTTCCTGAGGTGCCAGGTGGAGCTGGACAGGCGGCAGGCCCGCAGAGCCACAGCTCACA-3'
Protein context (NP_006022.3, residues 1929-1949): LSRQLQVLHQ[Arg1939Trp]FLRCQVELDR

ClinVar aggregate classification (germline): Benign/Likely benign. Review status: criteria provided, multiple submitters, no conflicts (2 of 4 stars). 9 submissions from 9 submitters: Benign (2); Likely benign (5). 2 of the submissions do not count toward it. Last evaluated 2026-07-01.

Conditions:
Microcephalic osteodysplastic primordial dwarfism type II (MOPD2). Also called: Microcephalic osteodysplastic primordial dwarfism with tooth abnormalities; OSTEODYSPLASTIC PRIMORDIAL DWARFISM, TYPE II; MOPD II. Identifiers: Orphanet 2637, MedGen C0432246, MONDO:0008872, OMIM 210720.

Allele frequency attached by ClinVar (database versions not stated): gnomAD 0.00060 and 0.00092; TOPMed 0.00070; 1000 Genomes Project 30x 0.00156; 1000 Genomes Project 0.00180; gnomAD exomes 0.00216; ExAC 0.00411.
gnomAD v4.1: 1,287 of 1,575,856 alleles (0.082%); highest among the groups gnomAD compares: South Asian, 0.92%; 8 homozygotes.

Submissions (9):

CeGaT Center for Human Genetics Tuebingen
Classification: Likely benign. Last evaluated: 2026-07-01. Review status: criteria provided, single submitter. Criteria: CeGaT Center For Human Genetics Tuebingen Variant Classification Criteria Version 2. Collection method: clinical testing. Allele origin: germline. Affected: yes. Observed: 2 variant alleles.
Comment: PCNT: BP4, BS2

Labcorp Genetics (formerly Invitae), Labcorp
Classification: Benign. Last evaluated: 2025-12-20. Review status: criteria provided, single submitter. Criteria: Invitae Variant Classification Sherloc (09022015). Collection method: clinical testing. Allele origin: germline.

Blueprint Genetics
Classification: Likely benign. Last evaluated: 2024-10-21. Review status: criteria provided, single submitter. Criteria: ACMG Guidelines, 2015. Collection method: clinical testing. Allele origin: germline.

ARUP Laboratories, Molecular Genetics and Genomics, ARUP Laboratories
Classification: Likely benign for Microcephalic osteodysplastic primordial dwarfism type II. Last evaluated: 2024-09-27. Review status: criteria provided, single submitter. Criteria: ARUP Molecular Germline Variant Investigation Process 2024. Collection method: clinical testing. Allele origin: germline.

GeneDx
Classification: Likely benign. Last evaluated: 2020-10-26. Review status: criteria provided, single submitter. Criteria: GeneDx Variant Classification Process June 2021. Collection method: clinical testing. Allele origin: germline. Affected: yes.
Comment: This variant is associated with the following publications: (PMID: 30392784, 29483666)

Illumina Laboratory Services, Illumina
Classification: Benign for Microcephalic osteodysplastic primordial dwarfism type II. Last evaluated: 2018-01-12. Review status: criteria provided, single submitter. Criteria: ICSL Variant Classification Criteria 13 December 2019. Collection method: clinical testing. Allele origin: germline.
Comment: This variant was observed in the ICSL laboratory as part of a predisposition screen in an ostensibly healthy population. It had not been previously curated by ICSL or reported in the Human Gene Mutation Database (HGMD: prior to June 1st, 2018), and was therefore a candidate for classification through an automated scoring system. Utilizing variant allele frequency, disease prevalence and penetrance estimates, and inheritance mode, an automated score was calculated to assess if this variant is too frequent to cause the disease. Based on the score and internal cut-off values, a variant classified as benign is not then subjected to further curation. The score for this variant resulted in a classification of benign for this disease.

Genetic Services Laboratory, University of Chicago
Classification: Likely benign. Last evaluated: 2015-08-17. Review status: criteria provided, single submitter. Criteria: ACMG Guidelines, 2015. Collection method: clinical testing. Allele origin: germline. Affected: no.

Clinical Genetics DNA and cytogenetics Diagnostics Lab, Erasmus MC, Erasmus Medical Center
Classification: Benign. Review status: no assertion criteria provided. Collection method: clinical testing. Allele origin: germline. Affected: yes. Study: VKGL Data-share Consensus. Not counted in ClinVar's aggregate classification.

Laboratory of Diagnostic Genome Analysis, Leiden University Medical Center (LUMC)
Classification: Likely benign. Review status: no assertion criteria provided. Collection method: clinical testing. Allele origin: germline. Affected: yes. Study: VKGL Data-share Consensus. Not counted in ClinVar's aggregate classification.